The following is an entry in ClinVar:

NM_014053.4(FLVCR1):c.1307+5G>T

Gene: FLVCR1 (FLVCR choline and heme transporter 1; plus strand). Cytogenetic location: 1q32.3.
Variant type: single nucleotide variant.
Coding change: c.1307+5G>T on transcript NM_014053.4 (MANE Select); 5 bases into the intron after coding-DNA position 1307, G replaced by T.
Molecular consequence: intron variant.
Genome position (GRCh38, 1-based): chr1:212,888,006, G>T. VCF-style: chr1-212888006-G-T. GRCh37 (hg19) VCF-style: chr1-213061348-G-T.
Identifiers: ClinVar variation 1298451 (VCV001298451.36), dbSNP rs777846238, ClinGen allele CA1386109.
Genomic context (GRCh38, chr1:212,888,006, plus strand): 5'-TTCACATTGGACCTTAGATATATTATCATCGTGTTTGTTACTGGAGGGGTGCTTGGGTAA[G>T]TATCAGATGTGTTTAGGAGGAATGATAGCATGCTGTTATAATTCTGAAGTATTATTACTC-3'

ClinVar aggregate classification (germline): Conflicting classifications of pathogenicity. Review status: criteria provided, conflicting classifications (1 of 4 stars). 3 submissions from 3 submitters: Likely pathogenic (2); Uncertain significance (1). Last evaluated 2026-02-25.

Conditions:
FLVCR1-related disorders.

Allele frequency attached by ClinVar (database versions not stated): ExAC 0.00001; gnomAD 0.00001; gnomAD exomes 0.00001; TOPMed 0.00003.
gnomAD v4.1: 23 of 1,456,446 alleles (0.0016%); highest among the groups gnomAD compares: Non-Finnish European, 0.002%; no homozygotes.

Submissions (3):

GeneDx
Classification: Likely pathogenic. Last evaluated: 2026-02-25. Review status: criteria provided, single submitter. Criteria: GeneDx Variant Classification Process June 2021. Collection method: clinical testing. Allele origin: germline.
Comment: Intronic +5 splice site variant in a gene for which loss of function is a known mechanism of disease; RNA studies found this variant did not produce any detectable full-length transcript and increased exon 6 skipping, however wild-type FLVCR1 also showed exon 6 skipping (Shortall C et al. (2022) IOVS. 63 :1589-A0387); This variant is associated with the following publications: (PMID: 35055178, 34931442, Shortall2022[Abstract])

Blueprint Genetics
Classification: Likely pathogenic for FLVCR1-related disorders. Last evaluated: 2022-08-08. Review status: criteria provided, single submitter. Criteria: ACMG Guidelines, 2015. Collection method: clinical testing. Allele origin: germline. Affected: yes. Observed: 4 variant alleles.

CeGaT Center for Human Genetics Tuebingen
Classification: Uncertain significance. Last evaluated: 2021-08-01. Review status: criteria provided, single submitter. Criteria: CeGaT Center For Human Genetics Tuebingen Variant Classification Criteria Version 2. Collection method: clinical testing. Allele origin: germline. Affected: yes. Observed: 1 variant allele.